The following is an entry in ClinVar:

NM_006218.4(PIK3CA):c.2678C>T (p.Ala893Val)

Gene: PIK3CA (phosphatidylinositol-4,5-bisphosphate 3-kinase catalytic subunit alpha; plus strand). Cytogenetic location: 3q26.32.
Variant type: single nucleotide variant.
Coding change: c.2678C>T on transcript NM_006218.4 (MANE Select); coding-DNA position 2678, C replaced by T.
Protein change: p.Ala893Val; replaces alanine 893 with valine.
Molecular consequence: missense variant.
Genome position (GRCh38, 1-based): chr3:179,230,015, C>T. VCF-style: chr3-179230015-C-T. GRCh37 (hg19) VCF-style: chr3-178947803-C-T.
Other names: short protein forms A893V.
Identifiers: ClinVar variation 1794626 (VCV001794626.2), dbSNP rs2473548131, ClinGen allele CA355279282.

ClinVar aggregate classification (germline): Uncertain significance (1 of 4 stars; one submission).

Conditions:
Inborn genetic diseases. Identifiers: MedGen C0950123, MeSH D030342.

Submission:

Ambry Genetics
Classification: Uncertain significance for Inborn genetic diseases. Last evaluated: 2021-11-16. Review status: criteria provided, single submitter. Criteria: Ambry Variant Classification Scheme 2023. Collection method: clinical testing. Allele origin: germline.
Comment: The p.A893V variant (also known as c.2678C>T), located in coding exon 18 of the PIK3CA gene, results from a C to T substitution at nucleotide position 2678. The alanine at codon 893 is replaced by valine, an amino acid with similar properties. This amino acid position is conserved. In addition, this alteration is predicted to be deleterious by in silico analysis. Since supporting evidence is limited at this time, the clinical significance of this alteration remains unclear.